The following is an entry in ClinVar:

ClinVar aggregate classification (germline): Uncertain significance (1 of 4 stars; one submission).

Submission:

Ambry Genetics
Classification: Uncertain significance. Last evaluated: 2025-08-28. Review status: criteria provided, single submitter. Criteria: Ambry Variant Classification Scheme 2023. Collection method: clinical testing. Allele origin: germline.
Comment: The p.G289R variant (also known as c.865G>C), located in coding exon 6 of the PKP4 gene, results from a G to C substitution at nucleotide position 865. The glycine at codon 289 is replaced by arginine, an amino acid with dissimilar properties. This amino acid position is conserved. In addition, the in silico prediction for this alteration is inconclusive. Based on the available evidence, the clinical significance of this variant remains unclear.

NM_003628.6(PKP4):c.865G>C (p.Gly289Arg)

Gene: PKP4 (plakophilin 4; plus strand). Cytogenetic location: 2q24.1.
Variant type: single nucleotide variant.
Coding change: c.865G>C on transcript NM_003628.6 (MANE Select); coding-DNA position 865, G replaced by C.
Protein change: p.Gly289Arg; replaces glycine 289 with arginine.
Molecular consequence: missense variant. On other transcripts: 5 prime UTR variant (1).
Genome position (GRCh38, 1-based): chr2:158,625,139, G>C. VCF-style: chr2-158625139-G-C. GRCh37 (hg19) VCF-style: chr2-159481651-G-C.
Other names: c.865G>C, p.Gly289Arg (NM_001005476.4, NM_001304969.3, NM_001304971.2 and 6 more transcripts); c.-162G>C (NM_001304970.3); c.859G>C, p.Gly287Arg (NM_001377222.1, NM_001377223.1, NM_001377224.1); short protein forms G289R, G287R.
Identifiers: ClinVar variation 4138161 (VCV004138161.1).
Genomic context (GRCh38, chr2:158,625,139, plus strand): 5'-GCACGGGCAGCCTCTCCGTACTCACAGAGACCCGCCTCCCCAACAGCTATACGGCGGATT[G>C]GGTCAGTCACCTCCCGGCAGACCTCCAATCCCAACGGACCAACCCCTCAATACCAAACCA-3'
Protein context (NP_003619.2, residues 279-299): PASPTAIRRI[Gly289Arg]SVTSRQTSNP